The following is an entry in ClinVar:

NM_002691.4(POLD1):c.1662G>A (p.Lys554=)

Gene: POLD1 (DNA polymerase delta 1, catalytic subunit; plus strand). Cytogenetic location: 19q13.33.
Variant type: single nucleotide variant.
Coding change: c.1662G>A on transcript NM_002691.4 (MANE Select); coding-DNA position 1662, G replaced by A.
Protein change: p.Lys554=; no amino-acid change (lysine 554 retained).
Molecular consequence: synonymous variant. On other transcripts: non-coding transcript variant (1).
Genome position (GRCh38, 1-based): chr19:50,407,150, G>A. VCF-style: chr19-50407150-G-A. GRCh37 (hg19) VCF-style: chr19-50910407-G-A.
Other names: c.1662G>A, p.Lys554= (NM_001256849.1, NM_001308632.1).
Identifiers: ClinVar variation 414784 (VCV000414784.13), dbSNP rs1132244, ClinGen allele CA9596196.

ClinVar aggregate classification (germline): Benign/Likely benign. Review status: criteria provided, multiple submitters, no conflicts (2 of 4 stars). 3 submissions from 3 submitters: Benign (1); Likely benign (2). Last evaluated 2025-02-07.

Conditions:
POLD1-related polyposis and colorectal cancer syndrome (CRCS10). Also called: Colorectal cancer, susceptibility to, 10; Colorectal cancer 10; COLORECTAL CANCER, SUSCEPTIBILITY TO, ON CHROMOSOME 19q. Identifiers: Orphanet 220460, MedGen C2675481, MONDO:0012953, OMIM 612591.
Hereditary cancer-predisposing syndrome. Also called: Neoplastic Syndromes, Hereditary; Hereditary neoplastic syndrome; Hereditary Cancer Syndrome; Tumor predisposition. Identifiers: Orphanet 140162, MedGen C0027672, MeSH D009386, MONDO:0015356.

Allele frequency attached by ClinVar (database versions not stated): gnomAD exomes below 0.00001; ExAC 0.00001.
gnomAD v4.1: 2 of 1,609,740 alleles (0.00012%); highest among the groups gnomAD compares: Non-Finnish European, 0.00017%; no homozygotes.

Submissions (3):

Myriad Genetics, Inc.
Classification: Benign for POLD1-related polyposis and colorectal cancer syndrome. Last evaluated: 2025-02-07. Review status: criteria provided, single submitter. Criteria: Myriad Autosomal Dominant, Autosomal Recessive and X-Linked Classification Criteria (2023). Collection method: clinical testing. Allele origin: unknown.
Comment: This variant is considered benign. This variant is a silent/synonymous amino acid change and it is not expected to impact splicing.

Labcorp Genetics (formerly Invitae), Labcorp
Classification: Likely benign for POLD1-related polyposis and colorectal cancer syndrome. Last evaluated: 2022-10-04. Review status: criteria provided, single submitter. Criteria: Invitae Variant Classification Sherloc (09022015). Collection method: clinical testing. Allele origin: germline.

Ambry Genetics
Classification: Likely benign for Hereditary cancer-predisposing syndrome. Last evaluated: 2018-01-19. Review status: criteria provided, single submitter. Criteria: Ambry Variant Classification Scheme 2023. Collection method: clinical testing. Allele origin: germline.